The following is an entry in ClinVar:

NM_001103.4(ACTN2):c.1862G>A (p.Arg621His)

Gene: ACTN2 (actinin alpha 2; plus strand). Cytogenetic location: 1q43.
Variant type: single nucleotide variant.
Coding change: c.1862G>A on transcript NM_001103.4 (MANE Select); coding-DNA position 1862, G replaced by A.
Protein change: p.Arg621His; replaces arginine 621 with histidine.
Molecular consequence: missense variant.
Genome position (GRCh38, 1-based): chr1:236,753,969, G>A. VCF-style: chr1-236753969-G-A. GRCh37 (hg19) VCF-style: chr1-236917269-G-A.
Other names: c.1862G>A, p.Arg621His (NM_001278343.2); c.1238G>A, p.Arg413His (NM_001278344.2); short protein forms R413H, R621H.
Identifiers: ClinVar variation 834394 (VCV000834394.14), dbSNP rs368040932, ClinGen allele CA1473279.

ClinVar aggregate classification (germline): Conflicting classifications of pathogenicity. Review status: criteria provided, conflicting classifications (1 of 4 stars). 5 submissions from 5 submitters: Uncertain significance (4); Likely benign (1). Last evaluated 2026-09-01.

Conditions:
Primary familial hypertrophic cardiomyopathy (HCM). Identifiers: Orphanet 99739, MedGen C0949658, MeSH D024741, MONDO:0024573. Inheritance: Various modes of inheritance.
Dilated cardiomyopathy 1AA (CMD1AA). Also called: CARDIOMYOPATHY, DILATED, 1AA, WITH OR WITHOUT LEFT VENTRICULAR NONCOMPACTION; CARDIOMYOPATHY, FAMILIAL HYPERTROPHIC, 23, WITH OR WITHOUT LEFT VENTRICULAR NONCOMPACTION; Cardiomyopathy, dilated, 1AA, with or without LVNC. Identifiers: Orphanet 154, MedGen C2677338, MONDO:0012808, OMIM 612158.
ACTN2-related disorder. Also called: ACTN2-related disorders; ACTN2 related condition.
Cardiovascular phenotype. Identifiers: MedGen CN230736.

Allele frequency attached by ClinVar (database versions not stated): ExAC 0.00002; gnomAD exomes 0.00002 and 0.00003; TOPMed 0.00003; gnomAD 0.00004; ESP Exome Variant Server 0.00008.
gnomAD v4.1: 37 of 1,606,128 alleles (0.0023%); highest among the groups gnomAD compares: Non-Finnish European, 0.0028%; no homozygotes.

Submissions (5):

PreventionGenetics, part of Exact Sciences
Classification: Uncertain significance for ACTN2-related condition. Last evaluated: 2026-09-01. Review status: criteria provided, single submitter. Criteria: ACMG Guidelines, 2015. Collection method: clinical testing. Allele origin: germline.
Comment: The ACTN2 c.1862G>A variant is predicted to result in the amino acid substitution p.Arg621His. To our knowledge, this variant has not been reported in the literature. This variant is reported in 0.0062% of alleles in individuals of European (Non-Finnish) descent in gnomAD. At this time, the clinical significance of this variant is uncertain due to the absence of conclusive functional and genetic evidence.

Labcorp Genetics (formerly Invitae), Labcorp
Classification: Likely benign for Primary familial hypertrophic cardiomyopathy; Dilated cardiomyopathy 1AA. Last evaluated: 2025-12-29. Review status: criteria provided, single submitter. Criteria: Invitae Variant Classification Sherloc (09022015). Collection method: clinical testing. Allele origin: germline.

Ambry Genetics
Classification: Uncertain significance for Cardiovascular phenotype. Last evaluated: 2024-09-20. Review status: criteria provided, single submitter. Criteria: Ambry Variant Classification Scheme 2023. Collection method: clinical testing. Allele origin: germline.
Comment: The p.R621H variant (also known as c.1862G>A), located in coding exon 16 of the ACTN2 gene, results from a G to A substitution at nucleotide position 1862. The arginine at codon 621 is replaced by histidine, an amino acid with highly similar properties. This amino acid position is highly conserved in available vertebrate species. In addition, this alteration is predicted to be deleterious by in silico analysis. Based on the available evidence, the clinical significance of this variant remains unclear.

Women's Health and Genetics/Laboratory Corporation of America, LabCorp
Classification: Uncertain significance. Last evaluated: 2023-08-19. Review status: criteria provided, single submitter. Criteria: LabCorp Variant Classification Summary - May 2015. Collection method: clinical testing. Allele origin: germline.

GeneDx
Classification: Uncertain significance. Last evaluated: 2022-12-23. Review status: criteria provided, single submitter. Criteria: GeneDx Variant Classification Process June 2021. Collection method: clinical testing. Allele origin: germline. Affected: yes.
Comment: Has not been previously published as pathogenic or benign to our knowledge; In silico analysis supports that this missense variant has a deleterious effect on protein structure/function